The following is an entry in ClinVar:

NM_001365536.1(SCN9A):c.5758G>A (p.Gly1920Arg)

Genes: SCN1A-AS1 (SCN1A and SCN9A antisense RNA 1; plus strand), SCN9A (sodium voltage-gated channel alpha subunit 9; minus strand). Cytogenetic location: 2q24.3.
Variant type: single nucleotide variant.
Coding change: c.5758G>A on transcript NM_001365536.1 (MANE Select); coding-DNA position 5758, G replaced by A.
Protein change: p.Gly1920Arg; replaces glycine 1920 with arginine.
Molecular consequence: missense variant.
Genome position (GRCh38, 1-based): chr2:166,198,881, C>T on the plus strand (G>A on the coding strand, the complement: SCN9A is on the minus strand). VCF-style: chr2-166198881-C-T. GRCh37 (hg19) VCF-style: chr2-167055391-C-T.
Other names: c.5725G>A, p.Gly1909Arg (NM_002977.4); short protein forms G1909R, G1920R.
Identifiers: ClinVar variation 651481 (VCV000651481.11), dbSNP rs373922665, ClinGen allele CA59782938.

ClinVar aggregate classification (germline): Uncertain significance (1 of 4 stars; one submission).

Conditions:
Neuropathy, hereditary sensory and autonomic, type 2A (HSAN2A). Also called: MORVAN DISEASE; NEUROPATHY, CONGENITAL SENSORY; NEUROPATHY, HEREDITARY SENSORY RADICULAR, AUTOSOMAL RECESSIVE; NEUROPATHY, HEREDITARY SENSORY, TYPE IIA; NEUROPATHY, PROGRESSIVE SENSORY, OF CHILDREN; WNK1-Related HSAN2 (HSAN2A). Identifiers: Orphanet 970, MedGen C2752089, MONDO:0024309, OMIM 201300.
Generalized epilepsy with febrile seizures plus, type 7 (GEFSP7). Also called: GEFS+, TYPE 7. Identifiers: Orphanet 36387, MedGen C2751778, MONDO:0013470, OMIM 613863.

Allele frequency attached by ClinVar (database versions not stated): gnomAD exomes below 0.00001; gnomAD 0.00001; TOPMed 0.00001; ESP Exome Variant Server 0.00008.
gnomAD v4.1: 6 of 1,613,532 alleles (0.00037%); highest among the groups gnomAD compares: Non-Finnish European, 0.00051%; no homozygotes.

Submission:

Labcorp Genetics (formerly Invitae), Labcorp
Classification: Uncertain significance for Neuropathy, hereditary sensory and autonomic, type 2A; Generalized epilepsy with febrile seizures plus, type 7. Last evaluated: 2025-08-22. Review status: criteria provided, single submitter. Criteria: Invitae Variant Classification Sherloc (09022015). Collection method: clinical testing. Allele origin: germline.
Comment: This sequence change replaces glycine, which is neutral and non-polar, with arginine, which is basic and polar, at codon 1909 of the SCN9A protein (p.Gly1909Arg). This variant is not present in population databases (gnomAD no frequency). This variant has not been reported in the literature in individuals affected with SCN9A-related conditions. ClinVar contains an entry for this variant (Variation ID: 651481). Invitae Evidence Modeling of protein sequence and biophysical properties (such as structural, functional, and spatial information, amino acid conservation, physicochemical variation, residue mobility, and thermodynamic stability) has been performed for this missense variant. However, the output from this modeling did not meet the statistical confidence thresholds required to predict the impact of this variant on SCN9A protein function. In summary, the available evidence is currently insufficient to determine the role of this variant in disease. Therefore, it has been classified as a Variant of Uncertain Significance.